The following is an entry in ClinVar:

ClinVar aggregate classification (germline): Likely pathogenic (0 of 4 stars; one submission).

Conditions:
Glycine encephalopathy. Also called: Nonketotic hyperglycinemia; Non-ketotic hyperglycinemia. Identifiers: Orphanet 407, MedGen C0751748, MONDO:0011612, HP:0008288.

Submission:

Juha Muilu Group; Institute for Molecular Medicine Finland (FIMM)
Classification: Likely pathogenic for Non-ketotic hyperglycinemia. Review status: no assertion criteria provided. Collection method: not provided. Allele origin: unknown.
Comment: FinDis database variant: This variant was not found or characterized by our laboratory, data were collected from public sources: see reference
ClinVar note: Converted during submission from probable-pathogenic to Likely pathogenic.

NM_000170.3(GLDC):c.2839-1G>C

Gene: GLDC (glycine decarboxylase; minus strand). Cytogenetic location: 9p24.1.
Variant type: single nucleotide variant.
Coding change: c.2839-1G>C on transcript NM_000170.3 (MANE Select); the canonical splice acceptor site of the intron before coding-DNA position 2839, G replaced by C.
Molecular consequence: splice acceptor variant.
Genome position (GRCh38, 1-based): chr9:6,534,789, C>G on the plus strand (G>C on the coding strand, the complement: GLDC is on the minus strand). VCF-style: chr9-6534789-C-G. GRCh37 (hg19) VCF-style: chr9-6534789-C-G.
Identifiers: ClinVar variation 56088 (VCV000056088.2), dbSNP rs386833569, ClinGen allele CA263399.
Genomic context (GRCh38, chr9:6,534,789, plus strand): 5'-TCTGGAATAAGGCCGGTCCCAGTGGGAAGATGTAACGCAGGTCAGGGAGTGTGGAGACAT[C>G]TGAGACAGAGACACGGACAGAGGAGGGGTCAGAGCAATACACTCTCTTCTCCTCCTACCC-3'